The following is an entry in ClinVar:

NM_177438.3(DICER1):c.5318_5319del (p.Val1773fs)

Gene: DICER1 (dicer 1, ribonuclease III; minus strand). Cytogenetic location: 14q32.13.
Variant type: Microsatellite.
Coding change: c.5318_5319del on transcript NM_177438.3 (MANE Select); coding-DNA positions 5318 to 5319, 2 bases deleted (TG; older notation c.5318_5319delTG).
Protein change: p.Val1773fs; shifts the reading frame from valine 1773.
Molecular consequence: frameshift variant. On other transcripts: non-coding transcript variant (6).
Genome position (GRCh38, 1-based): chr14:95,093,933-95,093,934, CA deleted on the plus strand (TG on the coding strand, the reverse complement: DICER1 is on the minus strand); deleting any 2 consecutive bases within chr14:95,093,933-95,093,936 gives the same sequence; the c. name uses the placement nearest the transcript's 3' end. VCF-style (leftmost placement, unchanged base first): chr14-95093932-GCA-G. GRCh37 (hg19) VCF-style: chr14-95560269-GCA-G.
Other names: c.5318_5319del, p.Val1773fs (NM_001195573.1, NM_001271282.3, NM_001291628.2 and 8 more transcripts); c.5316_5317TG[1], p.Val1773Alafs (NM_001395681.1); c.5036_5037del, p.Val1679fs (NM_001395686.1); c.4913_4914del, p.Val1638fs (NM_001395687.1, NM_001395688.1, NM_001395689.1 and 1 more transcripts); c.4751_4752del, p.Val1584fs (NM_001395691.1); c.3635_3636del, p.Val1212fs (NM_001395697.1); short protein forms V1584fs, V1212fs, V1773fs, V1679fs, V1638fs.
Identifiers: ClinVar variation 2842905 (VCV002842905.3), dbSNP rs2542439230, ClinGen allele CA2739278094.

ClinVar aggregate classification (germline): Pathogenic (1 of 4 stars; one submission).

Conditions:
DICER1-related tumor predisposition. Also called: DICER1-related pleuropulmonary blastoma cancer predisposition syndrome; DICER1 syndrome. Identifiers: Orphanet 284343, MedGen C3839822, MONDO:0100216.

Submission:

Labcorp Genetics (formerly Invitae), Labcorp
Classification: Pathogenic for DICER1-related tumor predisposition. Last evaluated: 2023-03-04. Review status: criteria provided, single submitter. Criteria: Invitae Variant Classification Sherloc (09022015). Collection method: clinical testing. Allele origin: germline.
Comment: For these reasons, this variant has been classified as Pathogenic. This variant has not been reported in the literature in individuals affected with DICER1-related conditions. This variant is not present in population databases (gnomAD no frequency). This sequence change creates a premature translational stop signal (p.Val1773Alafs*5) in the DICER1 gene. It is expected to result in an absent or disrupted protein product. Loss-of-function variants in DICER1 are known to be pathogenic (PMID: 19556464, 21266384).

Literature cited by the submitters: PubMed 19556464; PubMed 21266384.